The following is an entry in ClinVar:

NM_001567.4(INPPL1):c.1198-3C>T

Gene: INPPL1 (inositol polyphosphate phosphatase like 1; plus strand). Cytogenetic location: 11q13.4.
Variant type: single nucleotide variant.
Coding change: c.1198-3C>T on transcript NM_001567.4 (MANE Select); 3 bases into the intron before coding-DNA position 1198, C replaced by T.
Molecular consequence: intron variant.
Genome position (GRCh38, 1-based): chr11:72,230,793, C>T. VCF-style: chr11-72230793-C-T. GRCh37 (hg19) VCF-style: chr11-71941837-C-T.
Identifiers: ClinVar variation 1511897 (VCV001511897.3), dbSNP rs375005928, ClinGen allele CA6169959.

ClinVar aggregate classification (germline): Uncertain significance (1 of 4 stars; one submission).

Allele frequency attached by ClinVar (database versions not stated): gnomAD exomes 0.00004; ExAC 0.00008; TOPMed 0.00014; ESP Exome Variant Server 0.00015; gnomAD 0.00016 and 0.00019; 1000 Genomes Project 0.00020; 1000 Genomes Project 30x 0.00031.

Submission:

Labcorp Genetics (formerly Invitae), Labcorp
Classification: Uncertain significance. Last evaluated: 2022-07-27. Review status: criteria provided, single submitter. Criteria: Invitae Variant Classification Sherloc (09022015). Collection method: clinical testing. Allele origin: germline.
Comment: This sequence change falls in intron 10 of the INPPL1 gene. It does not directly change the encoded amino acid sequence of the INPPL1 protein. It affects a nucleotide within the consensus splice site. This variant is present in population databases (rs375005928, gnomAD 0.04%). This variant has not been reported in the literature in individuals affected with INPPL1-related conditions. ClinVar contains an entry for this variant (Variation ID: 1511897). Variants that disrupt the consensus splice site are a relatively common cause of aberrant splicing (PMID: 17576681, 9536098). Algorithms developed to predict the effect of sequence changes on RNA splicing suggest that this variant is not likely to affect RNA splicing. In summary, the available evidence is currently insufficient to determine the role of this variant in disease. Therefore, it has been classified as a Variant of Uncertain Significance.

Literature cited by the submitters: PubMed 17576681; PubMed 9536098.